The following is an entry in ClinVar:

NM_016222.4(DDX41):c.936-1G>A

Gene: DDX41 (DEAD-box helicase 41; minus strand). Cytogenetic location: 5q35.3.
Variant type: single nucleotide variant.
Coding change: c.936-1G>A on transcript NM_016222.4 (MANE Select); the canonical splice acceptor site of the intron before coding-DNA position 936, G replaced by A.
Molecular consequence: splice acceptor variant.
Genome position (GRCh38, 1-based): chr5:177,513,848, C>T on the plus strand (G>A on the coding strand, the complement: DDX41 is on the minus strand). VCF-style: chr5-177513848-C-T. GRCh37 (hg19) VCF-style: chr5-176940849-C-T.
Other names: c.558-1G>A (NM_001321830.2, NM_001321732.2).
Identifiers: ClinVar variation 3838984 (VCV003838984.2).

ClinVar aggregate classification (germline): Likely pathogenic (1 of 4 stars; one submission).

Conditions:
Inborn genetic diseases. Identifiers: MedGen C0950123, MeSH D030342.

Submission:

Ambry Genetics
Classification: Likely pathogenic for Inborn genetic diseases. Last evaluated: 2026-06-01. Review status: criteria provided, single submitter. Criteria: Ambry Variant Classification Scheme 2023. Collection method: clinical testing. Allele origin: germline.
Comment: The c.936-1G>A intronic variant results from a G to A substitution one nucleotide upstream from coding exon 10 of the DDX41 gene. This variant is considered to be rare based on population cohorts in the Genome Aggregation Database (gnomAD). This nucleotide position is highly conserved in available vertebrate species. In silico splice site analysis predicts that this alteration will weaken the native splice acceptor site and may result in the creation or strengthening of a novel splice acceptor site. Alterations that disrupt the canonical splice site are expected to cause aberrant splicing, resulting in an abnormal protein or a transcript that is subject to nonsense-mediated mRNA decay. As such, this alteration is classified as likely pathogenic.